The following is an entry in ClinVar:

NM_022841.7(RFX7):c.1471C>G (p.His491Asp)

Gene: RFX7 (regulatory factor X7; minus strand). Cytogenetic location: 15q21.3.
Variant type: single nucleotide variant.
Coding change: c.1471C>G on transcript NM_022841.7 (MANE Select); coding-DNA position 1471, C replaced by G.
Protein change: p.His491Asp; replaces histidine 491 with aspartic acid.
Molecular consequence: missense variant.
Genome position (GRCh38, 1-based): chr15:56,096,257, G>C on the plus strand (C>G on the coding strand, the complement: RFX7 is on the minus strand). VCF-style: chr15-56096257-G-C. GRCh37 (hg19) VCF-style: chr15-56388455-G-C.
Other names: c.1180C>G, p.His394Asp (NM_001368073.2, NM_001368074.1, NM_001370554.1); c.1471C>G, p.His491Asp (NM_001370561.1); short protein forms H394D, H491D.
Identifiers: ClinVar variation 2499218 (VCV002499218.1), dbSNP rs780485376, ClinGen allele CA392583320.

ClinVar aggregate classification (germline): Uncertain significance (1 of 4 stars; one submission).

Submission:

GeneDx
Classification: Uncertain significance. Last evaluated: 2022-10-11. Review status: criteria provided, single submitter. Criteria: GeneDx Variant Classification Process June 2021. Collection method: clinical testing. Allele origin: germline. Affected: yes.
Comment: Not observed at significant frequency in large population cohorts (gnomAD); In silico analysis supports that this missense variant does not alter protein structure/function; Has not been previously published as pathogenic or benign to our knowledge